The following is an entry in ClinVar:

NM_018668.5(VPS33B):c.940-2A>G

Gene: VPS33B (VPS33B late endosome and lysosome associated; minus strand). Cytogenetic location: 15q26.1.
Variant type: single nucleotide variant.
Coding change: c.940-2A>G on transcript NM_018668.5 (MANE Select); the canonical splice acceptor site of the intron before coding-DNA position 940, A replaced by G.
Molecular consequence: splice acceptor variant.
Genome position (GRCh38, 1-based): chr15:91,005,786, T>C on the plus strand (A>G on the coding strand, the complement: VPS33B is on the minus strand). VCF-style: chr15-91005786-T-C. GRCh37 (hg19) VCF-style: chr15-91549016-T-C.
Other names: c.859-2A>G (NM_001289148.1); c.667-2A>G (NM_001289149.1).
Identifiers: ClinVar variation 595362 (VCV000595362.6), dbSNP rs774529051, ClinGen allele CA7744845.

ClinVar aggregate classification (germline): Pathogenic. Review status: criteria provided, multiple submitters, no conflicts (2 of 4 stars). 2 submissions from 2 submitters: Pathogenic (2). Last evaluated 2026-08-06.

Conditions:
Keratoderma-ichthyosis-deafness syndrome, autosomal recessive (KDIDAR). Identifiers: MedGen C5774200, MONDO:0859278, OMIM 620009.

Allele frequency attached by ClinVar (database versions not stated): ExAC 0.00001; TOPMed 0.00002; gnomAD exomes below 0.00001; gnomAD 0.00001.
gnomAD v4.1: 5 of 1,614,078 alleles (0.00031%); highest among the groups gnomAD compares: African/African-American, 0.0027%; no homozygotes.

Submissions (2):

OLLIN Analises Genomicas, OLLIN
Classification: Pathogenic for Keratoderma-ichthyosis-deafness syndrome, autosomal recessive. Last evaluated: 2026-08-06. Review status: criteria provided, single submitter. Criteria: ACMG Guidelines 2015 PMID 25741868. Collection method: clinical testing. Allele origin: germline. Inheritance: Autosomal recessive inheritance.
Comment: This variant, located at the canonical splicing site (splice acceptor), has been reported in ClinVar (accession VCV000595362.5) and in gnomAD with an allele frequency of 0.00031%. However, to our knowledge, it has not been reported in the scientific literature. This variant is predicted to disrupt a canonical splice site, potentially leading to exon skipping, mRNA degradation via nonsense-mediated decay (NMD), or production of a truncated protein. According to the currently available evidence, this variant has been classified as pathogenic (PVS1, PM2_P, PM3_P).

Eurofins Ntd Llc (ga)
Classification: Pathogenic. Last evaluated: 2017-12-12. Review status: criteria provided, single submitter. Criteria: EGL Classification Definitions 2015. Collection method: clinical testing. Allele origin: germline. Observed: 1 variant allele, 1 homozygote.